The following is an entry in ClinVar:

ClinVar aggregate classification (germline): Uncertain significance (1 of 4 stars; one submission).

gnomAD v4.1: 1 of 1,614,122 alleles (0.000062%); no homozygotes.

Submission:

Labcorp Genetics (formerly Invitae), Labcorp
Classification: Uncertain significance. Last evaluated: 2022-11-15. Review status: criteria provided, single submitter. Criteria: Invitae Variant Classification Sherloc (09022015). Collection method: clinical testing. Allele origin: germline.
Comment: Advanced modeling of protein sequence and biophysical properties (such as structural, functional, and spatial information, amino acid conservation, physicochemical variation, residue mobility, and thermodynamic stability) performed at Invitae indicates that this missense variant is not expected to disrupt PDSS1 protein function. This sequence change replaces threonine, which is neutral and polar, with isoleucine, which is neutral and non-polar, at codon 412 of the PDSS1 protein (p.Thr412Ile). This variant is not present in population databases (gnomAD no frequency). This variant has not been reported in the literature in individuals affected with PDSS1-related conditions. In summary, the available evidence is currently insufficient to determine the role of this variant in disease. Therefore, it has been classified as a Variant of Uncertain Significance.

NM_014317.5(PDSS1):c.1235C>T (p.Thr412Ile)

Gene: PDSS1 (decaprenyl diphosphate synthase subunit 1; plus strand). Cytogenetic location: 10p12.1.
Variant type: single nucleotide variant.
Coding change: c.1235C>T on transcript NM_014317.5 (MANE Select); coding-DNA position 1235, C replaced by T.
Protein change: p.Thr412Ile; replaces threonine 412 with isoleucine.
Molecular consequence: missense variant. On other transcripts: 3 prime UTR variant (1).
Genome position (GRCh38, 1-based): chr10:26,746,460, C>T. VCF-style: chr10-26746460-C-T. GRCh37 (hg19) VCF-style: chr10-27035389-C-T.
Other names: c.*123C>T (NM_001321978.2); c.725C>T, p.Thr242Ile (NM_001321979.2); short protein forms T242I, T412I.
Identifiers: ClinVar variation 2074661 (VCV002074661.4), dbSNP rs999754695, ClinGen allele CA204414886.